The following is an entry in ClinVar:

NM_000179.3(MSH6):c.524C>A (p.Ala175Glu)

Gene: MSH6 (mutS homolog 6; plus strand). Cytogenetic location: 2p16.3.
Variant type: single nucleotide variant.
Coding change: c.524C>A on transcript NM_000179.3 (MANE Select); coding-DNA position 524, C replaced by A.
Protein change: p.Ala175Glu; replaces alanine 175 with glutamic acid.
Molecular consequence: missense variant. On other transcripts: 5 prime UTR variant (1), intron variant (2).
Genome position (GRCh38, 1-based): chr2:47,795,960, C>A. VCF-style: chr2-47795960-C-A. GRCh37 (hg19) VCF-style: chr2-48023099-C-A.
Other names: c.-379C>A (NM_001281494.2); c.-279-2651C>A (NM_001281493.2); c.238-2651C>A (NM_001281492.2); short protein forms A175E.
Identifiers: ClinVar variation 1431305 (VCV001431305.8), dbSNP rs1060502929, ClinGen allele CA346738691.

ClinVar aggregate classification (germline): Uncertain significance (1 of 4 stars; one submission).

Conditions:
Hereditary nonpolyposis colorectal neoplasms. Identifiers: MedGen C0009405, MeSH D003123.

Submission:

Labcorp Genetics (formerly Invitae), Labcorp
Classification: Uncertain significance for Hereditary nonpolyposis colorectal neoplasms. Last evaluated: 2024-04-25. Review status: criteria provided, single submitter. Criteria: Invitae Variant Classification Sherloc (09022015). Collection method: clinical testing. Allele origin: germline.
Comment: This sequence change replaces alanine, which is neutral and non-polar, with glutamic acid, which is acidic and polar, at codon 175 of the MSH6 protein (p.Ala175Glu). This variant is not present in population databases (gnomAD no frequency). This variant has not been reported in the literature in individuals affected with MSH6-related conditions. ClinVar contains an entry for this variant (Variation ID: 1431305). Advanced modeling of protein sequence and biophysical properties (such as structural, functional, and spatial information, amino acid conservation, physicochemical variation, residue mobility, and thermodynamic stability) performed at Invitae indicates that this missense variant is not expected to disrupt MSH6 protein function with a negative predictive value of 95%. In summary, the available evidence is currently insufficient to determine the role of this variant in disease. Therefore, it has been classified as a Variant of Uncertain Significance.